The following is an entry in ClinVar:

NM_000444.6(PHEX):c.1173+5G>A

Gene: PHEX (phosphate regulating endopeptidase X-linked; plus strand). Cytogenetic location: Xp22.11.
Variant type: single nucleotide variant.
Coding change: c.1173+5G>A on transcript NM_000444.6 (MANE Select); 5 bases into the intron after coding-DNA position 1173, G replaced by A.
Molecular consequence: intron variant.
Genome position (GRCh38, 1-based): chrX:22,111,565, G>A. VCF-style: chrX-22111565-G-A. GRCh37 (hg19) VCF-style: chrX-22129683-G-A.
Other names: c.1173+5G>A (NM_001282754.2).
Identifiers: ClinVar variation 945877 (VCV000945877.10), dbSNP rs1930971527, ClinGen allele CA1139667294.
Genomic context (GRCh38, chrX:22,111,565, plus strand): 5'-CCAGAATTCCAAACCTTAGCAGGCGCTTTCAGTATAGATGGCTGGAATTCTCAAGGGTAA[G>A]TTTAAGAAGATTGCAGTGTTACATCGCTGGATAACTTTACATGCTGGAATAGTCCATATA-3'

ClinVar aggregate classification (germline): Likely pathogenic. Review status: criteria provided, single submitter (1 of 4 stars). 2 submissions from 2 submitters: Likely pathogenic (1). 1 of the submissions does not count toward it. Last evaluated 2019-06-21.

Conditions:
Hypophosphataemia or rickets.

Submissions (2):

Labcorp Genetics (formerly Invitae), Labcorp
Classification: Likely pathogenic. Last evaluated: 2019-06-21. Review status: criteria provided, single submitter. Criteria: Invitae Variant Classification Sherloc (09022015). Collection method: clinical testing. Allele origin: germline.
Comment: In summary, the currently available evidence indicates that the variant is pathogenic, but additional data are needed to prove that conclusively. Therefore, this variant has been classified as Likely Pathogenic. This sequence change falls in intron 10 of the PHEX gene. It does not directly change the encoded amino acid sequence of the PHEX protein, but it affects a nucleotide within the consensus splice site of the intron. This variant is not present in population databases (ExAC no frequency). This variant has been observed to segregate with clinical features of hypophosphatemic rickets in a family (Invitae) Nucleotide substitutions within the consensus splice site are a relatively common cause of aberrant splicing (PMID: 17576681, 9536098). Algorithms developed to predict the effect of sequence changes on RNA splicing suggest that this variant may disrupt the consensus splice site, but this prediction has not been confirmed by published transcriptional studies.

Exeter Genomics Laboratory, Royal Devon University Healthcare NHS Foundation Trust
Classification: Likely pathogenic for Hypophosphataemia or rickets. Last evaluated: 2025-06-04. Review status: no assertion criteria provided. Collection method: clinical testing. Allele origin: germline. Affected: yes. Not counted in ClinVar's aggregate classification.

Literature cited by the submitters: PubMed 17576681 (cited by Labcorp Genetics (formerly Invitae), Labcorp); PubMed 9536098 (cited by Labcorp Genetics (formerly Invitae), Labcorp).